The following is an entry in ClinVar:

NM_001290208.3(ZNF717):c.123T>C (p.Asp41=)

Gene: ZNF717 (zinc finger protein 717; minus strand). Cytogenetic location: 3p12.3.
Variant type: single nucleotide variant.
Coding change: c.123T>C on transcript NM_001290208.3 (MANE Select); coding-DNA position 123, T replaced by C.
Protein change: p.Asp41=; no amino-acid change (aspartic acid 41 retained).
Molecular consequence: synonymous variant. On other transcripts: 5 prime UTR variant (1).
Genome position (GRCh38, 1-based): chr3:75,741,671, A>G on the plus strand (T>C on the coding strand, the complement: ZNF717 is on the minus strand). VCF-style: chr3-75741671-A-G. GRCh37 (hg19) VCF-style: chr3-75790822-A-G.
Other names: c.123T>C, p.Asp41= (NM_001128223.3, NM_001290210.2, NM_001324026.2 and 1 more transcripts); c.-28T>C (NM_001290209.3); c.102T>C, p.Asp34= (NM_001324028.1).
Identifiers: ClinVar variation 3024131 (VCV003024131.3), dbSNP rs2918520, ClinGen allele CA77508275.

ClinVar aggregate classification (germline): Benign (0 of 4 stars; one submission).

Conditions:
Susceptibility to severe coronavirus disease (COVID-19). Also called: Susceptibility to severe coronavirus disease COVID-19.

gnomAD v4.1: 1,169,630 of 1,537,658 alleles (76%); highest among the groups gnomAD compares: Middle Eastern, 80%; 423,660 homozygotes.

Submission:

Liver Research Center, Chang Gung Memorial Hospital, Linkou
Classification: Benign for Susceptibility to severe coronavirus disease (COVID-19). Last evaluated: 2026-05-15. Review status: no assertion criteria provided. Collection method: research. Allele origin: germline. Affected: yes.
Comment: Updated classification to Benign based on ClinGen curation. This variant has a very high population frequency (>80%) and is not associated with a monogenic disease.